The following is an entry in ClinVar:

NM_000336.3(SCNN1B):c.1790G>A (p.Arg597His)

Gene: SCNN1B (sodium channel epithelial 1 subunit beta; plus strand). Cytogenetic location: 16p12.2.
Variant type: single nucleotide variant.
Coding change: c.1790G>A on transcript NM_000336.3 (MANE Select); coding-DNA position 1790, G replaced by A.
Protein change: p.Arg597His; replaces arginine 597 with histidine.
Molecular consequence: missense variant.
Genome position (GRCh38, 1-based): chr16:23,380,668, G>A. VCF-style: chr16-23380668-G-A. GRCh37 (hg19) VCF-style: chr16-23391989-G-A.
Other names: short protein forms R597H.
Identifiers: ClinVar variation 884762 (VCV000884762.5), dbSNP rs140945152, ClinGen allele CA7960643.
Genomic context (GRCh38, chr16:23,380,668, plus strand): 5'-CCGTGGCCGAGCTGGTGGAGGCCCACACCAACTTTGGCTTCCAGCCTGACACGGCCCCCC[G>A]CAGCCCCAACACTGGGCCCTACCCCAGTGAGCAGGCCCTGCCCATCCCAGGCACCCCGCC-3'
Protein context (NP_000327.2, residues 587-607): NFGFQPDTAP[Arg597His]SPNTGPYPSE

ClinVar aggregate classification (germline): Conflicting classifications of pathogenicity. Review status: criteria provided, conflicting classifications (1 of 4 stars). 4 submissions from 2 submitters: Uncertain significance (2); Benign (2). Last evaluated 2024-03-06.

Conditions:
Bronchiectasis with or without elevated sweat chloride 1 (BESC1). Also called: Cystic Fibrosis-Like Syndrome. Identifiers: Orphanet 60033, MedGen C2749757, MONDO:0008887, OMIM 211400.
Pseudohypoaldosteronism, type IB1, autosomal recessive. Also called: Pseudohypoaldosteronism, Type I, Recessive; Autosomal recessive pseudohypoaldosteronism type 1; Pseudohypoaldosteronism, Type I, Autosomal Recessive; PHA I, AUTOSOMAL RECESSIVE. Identifiers: Orphanet 171876, Orphanet 756, MedGen C5774176, MONDO:0009917, OMIM 264350.
Liddle syndrome 1 (LIDLS1). Also called: PSEUDOALDOSTERONISM. Identifiers: Orphanet 526, MedGen CN031472, MONDO:0020607, OMIM 177200.
Pseudohypoaldosteronism, type IB2, autosomal recessive (PHA1B2). Identifiers: MedGen C5774255, MONDO:0859317, OMIM 620125.

Allele frequency attached by ClinVar (database versions not stated): ExAC 0.00004; gnomAD exomes 0.00006 and 0.00007; gnomAD 0.00013 and 0.00016; TOPMed 0.00014; ESP Exome Variant Server 0.00023.
gnomAD v4.1: 121 of 1,612,028 alleles (0.0075%); highest among the groups gnomAD compares: African/African-American, 0.027%; no homozygotes.

Submissions (4):

Fulgent Genetics
Classification: Uncertain significance for Liddle syndrome 1; Bronchiectasis with or without elevated sweat chloride 1; Pseudohypoaldosteronism, type IB2, autosomal recessive. Last evaluated: 2024-03-06. Review status: criteria provided, single submitter. Criteria: ACMG Guidelines, 2015. Collection method: clinical testing. Allele origin: germline.

Illumina Laboratory Services, Illumina
Classification: Benign for Bronchiectasis with or without elevated sweat chloride 1. Last evaluated: 2017-04-28. Review status: criteria provided, single submitter. Criteria: ICSL Variant Classification Criteria 13 December 2019. Collection method: clinical testing. Allele origin: germline.
Comment: This variant was observed as part of a predisposition screen in an ostensibly healthy population. A literature search was performed for the gene, cDNA change, and amino acid change (where applicable). No publications were found based on this search. Allele frequency data from public databases was too high to be consistent with this variant causing disease. Therefore, this variant is classified as benign.

Illumina Laboratory Services, Illumina
Classification: Benign for Liddle syndrome 1. Last evaluated: 2017-04-28. Review status: criteria provided, single submitter. Criteria: ICSL Variant Classification Criteria 13 December 2019. Collection method: clinical testing. Allele origin: germline.
Comment: This variant was observed as part of a predisposition screen in an ostensibly healthy population. A literature search was performed for the gene, cDNA change, and amino acid change (where applicable). Publications were found based on this search. The evidence from the literature, in combination with allele frequency data from public databases where available, was sufficient to rule this variant out of causing disease. Therefore, this variant is classified as benign.

Illumina Laboratory Services, Illumina
Classification: Uncertain significance for Pseudohypoaldosteronism, type IB1, autosomal recessive. Last evaluated: 2017-04-28. Review status: criteria provided, single submitter. Criteria: ICSL Variant Classification Criteria 13 December 2019. Collection method: clinical testing. Allele origin: germline.

Literature cited by the submitters: PubMed 9674649 (cited by Illumina Laboratory Services, Illumina).